The following is an entry in ClinVar:

ClinVar aggregate classification (germline): Pathogenic. Review status: criteria provided, multiple submitters, no conflicts (2 of 4 stars). 2 submissions from 2 submitters: Pathogenic (2). Last evaluated 2025-09-09.

Conditions:
DeSanto-Shinawi syndrome due to WAC point mutation (DESSH). Also called: DEVELOPMENTAL DELAY, BEHAVIORAL ABNORMALITIES, FACIAL DYSMORPHISM, AND OCULAR ABNORMALITIES; WAC-Related Intellectual Disability; Facial dysmorphism-developmental delay-behavioral abnormalities syndrome due to WAC point mutation. Identifiers: Orphanet 284169, Orphanet 466950, MedGen C5681129, MONDO:0014741, OMIM 616708.

Submissions (2):

3billion
Classification: Pathogenic for DeSanto-Shinawi syndrome due to WAC point mutation. Last evaluated: 2025-09-09. Review status: criteria provided, single submitter. Criteria: ACMG Guidelines, 2015. Collection method: clinical testing. Allele origin: germline. Affected: yes.
Comment: The variant is not observed in the gnomAD v4.1.0 dataset. Predicted Consequence/Location: Stop-gained (nonsense): predicted to result in a loss or disruption of normal protein function through nonsense-mediated decay (NMD) or protein truncation. Multiple pathogenic variants are reported downstream of the variant. The variant has been reported to be associated with WAC-related disorder (ClinVar ID: VCV003253152). Therefore, this variant is classified as Pathogenic according to the recommendation of ACMG/AMP guideline.

GeneDx
Classification: Pathogenic. Last evaluated: 2024-01-09. Review status: criteria provided, single submitter. Criteria: GeneDx Variant Classification Process June 2021. Collection method: clinical testing. Allele origin: germline. Affected: yes.
Comment: Nonsense variant predicted to result in protein truncation or nonsense mediated decay in a gene for which loss of function is a known mechanism of disease; Not observed in large population cohorts (gnomAD); Has not been previously published as pathogenic or benign to our knowledge

NM_016628.5(WAC):c.329C>G (p.Ser110Ter)

Gene: WAC (WW domain containing adaptor with coiled-coil; plus strand). Cytogenetic location: 10p12.1.
Variant type: single nucleotide variant.
Coding change: c.329C>G on transcript NM_016628.5 (MANE Select); coding-DNA position 329, C replaced by G.
Protein change: p.Ser110Ter; replaces serine 110 with a stop codon.
Molecular consequence: nonsense.
Genome position (GRCh38, 1-based): chr10:28,583,453, C>G. VCF-style: chr10-28583453-C-G. GRCh37 (hg19) VCF-style: chr10-28872382-C-G.
Other names: c.194C>G, p.Ser65Ter (NM_100264.3); c.329C>G, p.Ser110Ter (NM_100486.4); short protein forms S110*, S65*.
Identifiers: ClinVar variation 3253152 (VCV003253152.2), dbSNP rs2491927082.